The following is an entry in ClinVar:

NM_000257.4(MYH7):c.4102G>T (p.Val1368Leu)

Gene: MYH7 (myosin heavy chain 7; minus strand). Cytogenetic location: 14q11.2.
Variant type: single nucleotide variant.
Coding change: c.4102G>T on transcript NM_000257.4 (MANE Select); coding-DNA position 4102, G replaced by T.
Protein change: p.Val1368Leu; replaces valine 1368 with leucine.
Molecular consequence: missense variant.
Genome position (GRCh38, 1-based): chr14:23,418,277, C>A on the plus strand (G>T on the coding strand, the complement: MYH7 is on the minus strand). VCF-style: chr14-23418277-C-A. GRCh37 (hg19) VCF-style: chr14-23887486-C-A.
Other names: short protein forms V1368L.
Identifiers: ClinVar variation 1171298 (VCV001171298.2), dbSNP rs771892152, ClinGen allele CA389040927.

ClinVar aggregate classification (germline): Uncertain significance (1 of 4 stars; one submission).

Conditions:
Cardiomyopathy (CMYO). Also called: Cardiomyopathies. Identifiers: Orphanet 167848, MedGen C0878544, MONDO:0004994, HP:0001638. Inheritance: Various modes of inheritance.

Submission:

Color Diagnostics, LLC DBA Color Health
Classification: Uncertain significance for Cardiomyopathy. Last evaluated: 2021-01-26. Review status: criteria provided, single submitter. Criteria: ACMG Guidelines, 2015. Collection method: clinical testing. Allele origin: germline.
Comment: This missense variant replaces valine with leucine at codon 1368 of the MYH7 protein. Computational prediction is inconclusive regarding the impact of this variant on protein structure and function (internally defined REVEL score threshold 0.5 < inconclusive < 0.7, PMID: 27666373). To our knowledge, functional studies have not been reported for this variant. This variant has not been reported in individuals affected with cardiovascular disorders in the literature. This variant has not been identified in the general population by the Genome Aggregation Database (gnomAD). The available evidence is insufficient to determine the role of this variant in disease conclusively. Therefore, this variant is classified as a Variant of Uncertain Significance.